The following is an entry in ClinVar:

ClinVar aggregate classification (germline): Benign/Likely benign. Review status: criteria provided, multiple submitters, no conflicts (2 of 4 stars). 4 submissions from 4 submitters: Benign (2); Likely benign (1). 1 of the submissions does not count toward it. Last evaluated 2023-03-15.

Conditions:
FOXL2-related disorder. Also called: FOXL2-related condition.

Allele frequency attached by ClinVar (database versions not stated): 1000 Genomes Project 0.00300; TOPMed 0.00304; 1000 Genomes Project 30x 0.00328; gnomAD 0.00335 and 0.00346.
gnomAD v4.1: 853 of 232,940 alleles (0.37%); highest among the groups gnomAD compares: South Asian, 0.69%; 1 homozygote.

Submissions (4):

Blueprint Genetics
Classification: Likely benign. Last evaluated: 2023-03-15. Review status: criteria provided, single submitter. Criteria: ACMG Guidelines, 2015. Collection method: clinical testing. Allele origin: germline.

CeGaT Center for Human Genetics Tuebingen
Classification: Benign. Last evaluated: 2022-10-01. Review status: criteria provided, single submitter. Criteria: CeGaT Center For Human Genetics Tuebingen Variant Classification Criteria Version 2. Collection method: clinical testing. Allele origin: germline. Affected: yes. Observed: 2 variant alleles.
Comment: FOXL2: BS1, BS2

Mendelics
Classification: Benign. Last evaluated: 2022-05-04. Review status: criteria provided, single submitter. Criteria: Mendelics Assertion Criteria 2019. Collection method: clinical testing. Allele origin: germline.

PreventionGenetics, part of Exact Sciences
Classification: Benign for FOXL2-related condition. Last evaluated: 2019-06-21. Review status: no assertion criteria provided. Collection method: clinical testing. Allele origin: germline. Not counted in ClinVar's aggregate classification.
Comment: This variant is classified as benign based on ACMG/AMP sequence variant interpretation guidelines (Richards et al. 2015 PMID: 25741868, with internal and published modifications).

NM_023067.4(FOXL2):c.*619C>A

Gene: FOXL2 (forkhead box L2; minus strand). Cytogenetic location: 3q22.3.
Variant type: single nucleotide variant.
Coding change: c.*619C>A on transcript NM_023067.4 (MANE Select); 619 bases downstream of the stop codon, C replaced by A.
Molecular consequence: 3 prime UTR variant.
Genome position (GRCh38, 1-based): chr3:138,944,973, G>T on the plus strand (C>A on the coding strand, the complement: FOXL2 is on the minus strand). VCF-style: chr3-138944973-G-T. GRCh37 (hg19) VCF-style: chr3-138663815-G-T.
Other names: c.*619C>A (NM_023067.3).
Identifiers: ClinVar variation 1685141 (VCV001685141.27), dbSNP rs180829214, ClinGen allele CA83968826.